The following is an entry in ClinVar:

ClinVar aggregate classification (germline): Uncertain significance (1 of 4 stars; one submission).

Conditions:
Renal cell carcinoma. Identifiers: Orphanet 217071, MedGen C0007134, MeSH D002292, MONDO:0005086, HP:0005584.

Allele frequency attached by ClinVar (database versions not stated): gnomAD exomes below 0.00001.
gnomAD v4.1: 1 of 1,593,526 alleles (0.000063%); highest among the groups gnomAD compares: Non-Finnish European, 0.000085%; no homozygotes.

Submission:

Labcorp Genetics (formerly Invitae), Labcorp
Classification: Uncertain significance for Renal cell carcinoma. Last evaluated: 2024-04-10. Review status: criteria provided, single submitter. Criteria: Invitae Variant Classification Sherloc (09022015). Collection method: clinical testing. Allele origin: germline.
Comment: This sequence change replaces alanine, which is neutral and non-polar, with valine, which is neutral and non-polar, at codon 364 of the MET protein (p.Ala364Val). This variant is not present in population databases (gnomAD no frequency). This variant has not been reported in the literature in individuals affected with MET-related conditions. ClinVar contains an entry for this variant (Variation ID: 1941256). Advanced modeling of protein sequence and biophysical properties (such as structural, functional, and spatial information, amino acid conservation, physicochemical variation, residue mobility, and thermodynamic stability) performed at Invitae indicates that this missense variant is not expected to disrupt MET protein function with a negative predictive value of 80%. In summary, the available evidence is currently insufficient to determine the role of this variant in disease. Therefore, it has been classified as a Variant of Uncertain Significance.

NM_000245.4(MET):c.1091C>T (p.Ala364Val)

Gene: MET (MET proto-oncogene, receptor tyrosine kinase; plus strand). Cytogenetic location: 7q31.2.
Variant type: single nucleotide variant.
Coding change: c.1091C>T on transcript NM_000245.4 (MANE Select); coding-DNA position 1091, C replaced by T.
Protein change: p.Ala364Val; replaces alanine 364 with valine.
Molecular consequence: missense variant. On other transcripts: intron variant (1).
Genome position (GRCh38, 1-based): chr7:116,700,175, C>T. VCF-style: chr7-116700175-C-T. GRCh37 (hg19) VCF-style: chr7-116340229-C-T.
Other names: c.1091C>T, p.Ala364Val (NM_001127500.3, NM_001324401.3); c.-91+27598C>T (NM_001324402.2); short protein forms A364V.
Identifiers: ClinVar variation 1941256 (VCV001941256.5), dbSNP rs2116605294, ClinGen allele CA368970516.